The following is an entry in ClinVar:

ClinVar aggregate classification (germline): Uncertain significance (1 of 4 stars; one submission).

Conditions:
Ataxia-telangiectasia syndrome (AT). Also called: Ataxia telangiectasia (A-T); LOUIS-BAR SYNDROME; Cerebello-oculocutaneous telangiectasia; Immunodeficiency with ataxia telangiectasia; Ataxia-telangiectasia, complementation group D; AT, COMPLEMENTATION GROUP C. Identifiers: Orphanet 100, MedGen C0004135, MONDO:0008840, OMIM 208900.

Submission:

Labcorp Genetics (formerly Invitae), Labcorp
Classification: Uncertain significance for Ataxia-telangiectasia syndrome. Last evaluated: 2022-09-23. Review status: criteria provided, single submitter. Criteria: Invitae Variant Classification Sherloc (09022015). Collection method: clinical testing. Allele origin: germline.
Comment: Algorithms developed to predict the effect of missense changes on protein structure and function (SIFT, PolyPhen-2, Align-GVGD) all suggest that this variant is likely to be disruptive. In summary, the available evidence is currently insufficient to determine the role of this variant in disease. Therefore, it has been classified as a Variant of Uncertain Significance. This variant has not been reported in the literature in individuals affected with ATM-related conditions. This variant is not present in population databases (gnomAD no frequency). This sequence change replaces threonine, which is neutral and polar, with asparagine, which is neutral and polar, at codon 2902 of the ATM protein (p.Thr2902Asn).

NM_000051.4(ATM):c.8705C>A (p.Thr2902Asn)

Genes: ATM (ATM serine/threonine kinase; plus strand), C11orf65 (chromosome 11 open reading frame 65; minus strand). Cytogenetic location: 11q22.3.
Variant type: single nucleotide variant.
Coding change: c.8705C>A on transcript NM_000051.4 (MANE Select); coding-DNA position 8705, C replaced by A.
Protein change: p.Thr2902Asn; replaces threonine 2902 with asparagine.
Molecular consequence: missense variant. On other transcripts: intron variant (2).
Genome position (GRCh38, 1-based): chr11:108,353,799, C>A. VCF-style: chr11-108353799-C-A. GRCh37 (hg19) VCF-style: chr11-108224526-C-A.
Other names: c.8705C>A, p.Thr2902Asn (NM_001351834.2); c.640+32121G>T (NM_001330368.2); c.695-18507G>T (NM_001351110.2); short protein forms T2902N.
Identifiers: ClinVar variation 1718514 (VCV001718514.6), dbSNP rs1591306636, ClinGen allele CA382523724.
Genomic context (GRCh38, chr11:108,353,799, plus strand): 5'-CTAACTTCACTGTATTCTTTACTTTAGGTGTTGCTTTTGAACAGGGCAAAATCCTTCCTA[C>A]TCCTGAGACAGTTCCTTTTAGACTCACCAGAGATATTGTGGATGGCATGGGCATTACGGG-3'
Protein context (NP_000042.3, residues 2892-2912): VAFEQGKILP[Thr2902Asn]PETVPFRLTR